The following is an entry in ClinVar:

ClinVar aggregate classification (germline): Conflicting classifications of pathogenicity. Review status: criteria provided, conflicting classifications (1 of 4 stars). 2 submissions from 2 submitters: Likely pathogenic (1); Uncertain significance (1). Last evaluated 2024-07-30.

Conditions:
Long QT syndrome (LQTS). Identifiers: MedGen C0023976, MeSH D008133, MONDO:0002442. Disease mechanism: loss of function. Inheritance: Various modes of inheritance.

Submissions (2):

Labcorp Genetics (formerly Invitae), Labcorp
Classification: Uncertain significance for Long QT syndrome. Last evaluated: 2024-07-30. Review status: criteria provided, single submitter. Criteria: Invitae Variant Classification Sherloc (09022015). Collection method: clinical testing. Allele origin: germline.
Comment: This sequence change affects an acceptor splice site in intron 1 of the CAV3 gene. While this variant is not anticipated to result in nonsense mediated decay, it likely alters RNA splicing and results in a disrupted protein product. This variant is not present in population databases (gnomAD no frequency). Disruption of this splice site has been observed in individual(s) with autosomal recessive limb-girdle muscular dystrophy (Invitae). Variants that disrupt the consensus splice site are a relatively common cause of aberrant splicing (PMID: 17576681, 9536098). Algorithms developed to predict the effect of sequence changes on RNA splicing suggest that this variant may disrupt the consensus splice site. In summary, the available evidence is currently insufficient to determine the role of this variant in disease. Therefore, it has been classified as a Variant of Uncertain Significance.

Athena Diagnostics
Classification: Likely pathogenic. Last evaluated: 2024-05-15. Review status: criteria provided, single submitter. Criteria: Athena Diagnostics Criteria. Collection method: clinical testing. Allele origin: unknown.
Comment: This variant is expected to severely impact normal RNA splicing, and consequently, protein structure and/or function. This variant has not been reported in large, multi-ethnic general populations. This variant is not expected to cause loss of protein expression through nonsense-mediated decay, however, it disrupts a substantial portion of the protein, and therefore, is expected to disrupt its function. Similar protein truncating variants in CAV3 are reported in the literature to be associated with autosomal recessive rippling muscle disease.

Literature cited by the submitters: PubMed 17576681 (cited by Labcorp Genetics (formerly Invitae), Labcorp); PubMed 9536098 (cited by Labcorp Genetics (formerly Invitae), Labcorp).

NM_033337.3(CAV3):c.115-1G>T

Genes: CAV3 (caveolin 3; plus strand), OXTR (oxytocin receptor; minus strand). Cytogenetic location: 3p25.3.
Variant type: single nucleotide variant.
Coding change: c.115-1G>T on transcript NM_033337.3 (MANE Select); the canonical splice acceptor site of the intron before coding-DNA position 115, G replaced by T.
Molecular consequence: splice acceptor variant.
Genome position (GRCh38, 1-based): chr3:8,745,525, G>T. VCF-style: chr3-8745525-G-T. GRCh37 (hg19) VCF-style: chr3-8787211-G-T.
Other names: c.115-1G>T (NM_001234.5).
Identifiers: ClinVar variation 3571653 (VCV003571653.3).